The following is an entry in ClinVar:

NM_014712.3(SETD1A):c.1064C>T (p.Ser355Leu)

Gene: SETD1A (SET domain containing 1A, histone lysine methyltransferase; plus strand). Cytogenetic location: 16p11.2.
Variant type: single nucleotide variant.
Coding change: c.1064C>T on transcript NM_014712.3 (MANE Select); coding-DNA position 1064, C replaced by T.
Protein change: p.Ser355Leu; replaces serine 355 with leucine.
Molecular consequence: missense variant.
Genome position (GRCh38, 1-based): chr16:30,964,806, C>T. VCF-style: chr16-30964806-C-T. GRCh37 (hg19) VCF-style: chr16-30976127-C-T.
Other names: c.1064C>T (NM_014712.2, NM_014712.1); short protein forms S355L.
Identifiers: ClinVar variation 1342591 (VCV001342591.3), dbSNP rs1021203285, ClinGen allele CA280579297.

ClinVar aggregate classification (germline): Uncertain significance. Review status: criteria provided, multiple submitters, no conflicts (2 of 4 stars). 3 submissions from 3 submitters: Uncertain significance (3). Last evaluated 2024-06-11.

Conditions:
Inborn genetic diseases. Identifiers: MedGen C0950123, MeSH D030342.
Epilepsy, early-onset, with or without developmental delay. Identifiers: MedGen C5882670, MONDO:0030005, OMIM 618832.
SETD1A-related disorder. Also called: SETD1A-related condition.

Allele frequency attached by ClinVar (database versions not stated): gnomAD exomes below 0.00001; gnomAD 0.00004 and 0.00005; TOPMed 0.00006.
gnomAD v4.1: 22 of 1,614,054 alleles (0.0014%); highest among the groups gnomAD compares: Middle Eastern, 0.016%; no homozygotes.

Submissions (3):

Ambry Genetics
Classification: Uncertain significance for Inborn genetic diseases. Last evaluated: 2024-06-11. Review status: criteria provided, single submitter. Criteria: Ambry Variant Classification Scheme 2023. Collection method: clinical testing. Allele origin: germline.

PreventionGenetics, part of Exact Sciences
Classification: Uncertain significance for SETD1A-related condition. Last evaluated: 2022-09-28. Review status: criteria provided, single submitter. Criteria: ACMG Guidelines, 2015. Collection method: clinical testing. Allele origin: germline.
Comment: The SETD1A c.1064C>T variant is predicted to result in the amino acid substitution p.Ser355Leu. To our knowledge, this variant has not been reported in the literature. This variant is reported in 0.0029% of alleles in individuals of Latino descent in gnomAD. At this time, the clinical significance of this variant is uncertain due to the absence of conclusive functional and genetic evidence.

New York Genome Center
Classification: Uncertain significance for Epilepsy, early-onset, with or without developmental delay. Last evaluated: 2021-04-23. Review status: criteria provided, single submitter. Criteria: NYGC Assertion Criteria 2020. Collection method: clinical testing. Allele origin: inherited. Observed: 1 heterozygote. Study: CSER-NYCKidSeq.